The following is an entry in ClinVar:

NM_152327.5(AK7):c.1186A>G (p.Ile396Val)

Gene: AK7 (adenylate kinase 7; plus strand). Cytogenetic location: 14q32.2.
Variant type: single nucleotide variant.
Coding change: c.1186A>G on transcript NM_152327.5 (MANE Select); coding-DNA position 1186, A replaced by G.
Protein change: p.Ile396Val; replaces isoleucine 396 with valine.
Molecular consequence: missense variant.
Genome position (GRCh38, 1-based): chr14:96,456,434, A>G. VCF-style: chr14-96456434-A-G. GRCh37 (hg19) VCF-style: chr14-96922771-A-G.
Other names: c.1186A>G, p.Ile396Val (NM_001350888.2, NM_001350890.2, NM_001350892.2); c.1108A>G, p.Ile370Val (NM_001350891.2); short protein forms I370V, I396V.
Identifiers: ClinVar variation 1909470 (VCV001909470.5), dbSNP rs1274725882, ClinGen allele CA390915765.

ClinVar aggregate classification (germline): Uncertain significance (1 of 4 stars; one submission).

Allele frequency attached by ClinVar (database versions not stated): TOPMed below 0.00001; gnomAD 0.00001.
gnomAD v4.1: 5 of 1,613,848 alleles (0.00031%); highest among the groups gnomAD compares: Non-Finnish European, 0.00042%; no homozygotes.

Submission:

Labcorp Genetics (formerly Invitae), Labcorp
Classification: Uncertain significance. Last evaluated: 2022-11-01. Review status: criteria provided, single submitter. Criteria: Invitae Variant Classification Sherloc (09022015). Collection method: clinical testing. Allele origin: germline.
Comment: In summary, the available evidence is currently insufficient to determine the role of this variant in disease. Therefore, it has been classified as a Variant of Uncertain Significance. Advanced modeling of protein sequence and biophysical properties (such as structural, functional, and spatial information, amino acid conservation, physicochemical variation, residue mobility, and thermodynamic stability) performed at Invitae indicates that this missense variant is not expected to disrupt AK7 protein function. This sequence change replaces isoleucine, which is neutral and non-polar, with valine, which is neutral and non-polar, at codon 396 of the AK7 protein (p.Ile396Val). This variant is present in population databases (no rsID available, gnomAD 0.0009%). This variant has not been reported in the literature in individuals affected with AK7-related conditions.